The following is an entry in ClinVar:

ClinVar aggregate classification (germline): Conflicting classifications of pathogenicity. Review status: criteria provided, conflicting classifications (1 of 4 stars). 2 submissions from 2 submitters: Uncertain significance (1); Likely benign (1). Last evaluated 2026-01-01.

Conditions:
Oculofaciocardiodental syndrome (MCOPS2). Identifiers: Orphanet 2712, MedGen C1846265, MONDO:0010261, OMIM 300166.

gnomAD v4.1: 3 of 1,209,308 alleles (0.00025%); highest among the groups gnomAD compares: Non-Finnish European, 0.00034%; no homozygotes.

Submissions (2):

CeGaT Center for Human Genetics Tuebingen
Classification: Likely benign. Last evaluated: 2026-01-01. Review status: criteria provided, single submitter. Criteria: CeGaT Center For Human Genetics Tuebingen Variant Classification Criteria Version 2. Collection method: clinical testing. Allele origin: germline. Affected: yes. Observed: 1 variant allele.
Comment: BCOR: BP4

Labcorp Genetics (formerly Invitae), Labcorp
Classification: Uncertain significance for Oculofaciocardiodental syndrome. Last evaluated: 2024-06-19. Review status: criteria provided, single submitter. Criteria: Invitae Variant Classification Sherloc (09022015). Collection method: clinical testing. Allele origin: germline.
Comment: This sequence change replaces glutamic acid, which is acidic and polar, with lysine, which is basic and polar, at codon 1081 of the BCOR protein (p.Glu1081Lys). This variant is present in population databases (rs760373288, gnomAD 0.001%). This variant has not been reported in the literature in individuals affected with BCOR-related conditions. An algorithm developed to predict the effect of missense changes on protein structure and function (PolyPhen-2) suggests that this variant is likely to be tolerated. In summary, the available evidence is currently insufficient to determine the role of this variant in disease. Therefore, it has been classified as a Variant of Uncertain Significance.

NM_001123385.2(BCOR):c.3241G>A (p.Glu1081Lys)

Gene: BCOR (BCL6 corepressor; minus strand). Cytogenetic location: Xp11.4.
Variant type: single nucleotide variant.
Coding change: c.3241G>A on transcript NM_001123385.2 (MANE Select); coding-DNA position 3241, G replaced by A.
Protein change: p.Glu1081Lys; replaces glutamic acid 1081 with lysine.
Molecular consequence: missense variant.
Genome position (GRCh38, 1-based): chrX:40,064,597, C>T on the plus strand (G>A on the coding strand, the complement: BCOR is on the minus strand). VCF-style: chrX-40064597-C-T. GRCh37 (hg19) VCF-style: chrX-39923850-C-T.
Other names: c.3241G>A, p.Glu1081Lys (NM_017745.6, NM_001123383.2); c.3187G>A, p.Glu1063Lys (NM_001123384.2); short protein forms E1081K, E1063K.
Identifiers: ClinVar variation 3706889 (VCV003706889.6).
Genomic context (GRCh38, chrX:40,064,597, plus strand): 5'-GAAGATCTTTGTCCTCTGGGGCTTCAAAGGGATCACGGTGCTTGTTTCCAACACTATACT[C>T]GCCTGGGGGAGGGGAGACAAGAGGGCATTAATGAAGCCCGAAGGTCGCCATGAGAAGGCA-3'
Protein context (NP_001116857.1, residues 1071-1091): IAEQNESERC[Glu1081Lys]YSVGNKHRDP